The following is an entry in ClinVar:

NM_006591.3(POLD3):c.1102G>C (p.Glu368Gln)

Gene: POLD3 (DNA polymerase delta 3, accessory subunit; plus strand). Cytogenetic location: 11q13.4.
Variant type: single nucleotide variant.
Coding change: c.1102G>C on transcript NM_006591.3 (MANE Select); coding-DNA position 1102, G replaced by C.
Protein change: p.Glu368Gln; replaces glutamic acid 368 with glutamine.
Molecular consequence: missense variant. On other transcripts: non-coding transcript variant (2).
Genome position (GRCh38, 1-based): chr11:74,634,678, G>C. VCF-style: chr11-74634678-G-C. GRCh37 (hg19) VCF-style: chr11-74345723-G-C.
Other names: c.985G>C, p.Glu329Gln (NM_001363597.2); short protein forms E329Q, E368Q.
Identifiers: ClinVar variation 3041529 (VCV003041529.2), dbSNP rs56262204, ClinGen allele CA6185354.

ClinVar aggregate classification (germline): Benign (0 of 4 stars; one submission).

Conditions:
POLD3-related disorder. Also called: POLD3-related condition.

Allele frequency attached by ClinVar (database versions not stated): TOPMed 0.00014; gnomAD 0.00099; ExAC 0.00373; 1000 Genomes Project 30x 0.00828; 1000 Genomes Project 0.00899.
gnomAD v4.1: 2,378 of 1,603,960 alleles (0.15%); highest among the groups gnomAD compares: South Asian, 2.5%; 52 homozygotes.

Submission:

PreventionGenetics, part of Exact Sciences
Classification: Benign for POLD3-related condition. Last evaluated: 2019-04-09. Review status: no assertion criteria provided. Collection method: clinical testing. Allele origin: germline.
Comment: This variant is classified as benign based on ACMG/AMP sequence variant interpretation guidelines (Richards et al. 2015 PMID: 25741868, with internal and published modifications).